The following is an entry in ClinVar:

NM_000256.3(MYBPC3):c.189dup (p.His64fs)

Gene: MYBPC3 (myosin binding protein C3; minus strand). Cytogenetic location: 11p11.2.
Variant type: Duplication.
Coding change: c.189dup on transcript NM_000256.3 (MANE Select); coding-DNA position 189, one base duplicated (G; older notation c.189dupG).
Protein change: p.His64fs; shifts the reading frame from histidine 64.
Molecular consequence: frameshift variant.
Genome position (GRCh38, 1-based): chr11:47,351,342, C duplicated on the plus strand (G on the coding strand, the reverse complement: MYBPC3 is on the minus strand); the first of 2 consecutive C bases (chr11:47,351,342-47,351,343); duplicating either gives the same sequence. VCF-style (leftmost placement, unchanged base first): chr11-47351341-G-GC. GRCh37 (hg19) VCF-style: chr11-47372892-G-GC.
Other names: short protein forms H64fs.
Identifiers: ClinVar variation 3722513 (VCV003722513.2).

ClinVar aggregate classification (germline): Pathogenic (1 of 4 stars; one submission).

Conditions:
Hypertrophic cardiomyopathy. Also called: HYPERTROPHIC MYOCARDIOPATHY. Identifiers: Orphanet 217569, MedGen C0007194, MeSH D002312, MONDO:0005045, HP:0001639.

Submission:

Labcorp Genetics (formerly Invitae), Labcorp
Classification: Pathogenic for Hypertrophic cardiomyopathy. Last evaluated: 2024-10-09. Review status: criteria provided, single submitter. Criteria: Invitae Variant Classification Sherloc (09022015). Collection method: clinical testing. Allele origin: germline.
Comment: This sequence change creates a premature translational stop signal (p.His64Alafs*49) in the MYBPC3 gene. It is expected to result in an absent or disrupted protein product. Loss-of-function variants in MYBPC3 are known to be pathogenic (PMID: 19574547). This variant is not present in population databases (gnomAD no frequency). This variant has not been reported in the literature in individuals affected with MYBPC3-related conditions. For these reasons, this variant has been classified as Pathogenic.

Literature cited by the submitters: PubMed 19574547.